The following is an entry in ClinVar:

ClinVar aggregate classification (germline): Pathogenic (1 of 4 stars; one submission).

Submission:

GeneDx
Classification: Pathogenic. Last evaluated: 2016-07-07. Review status: criteria provided, single submitter. Criteria: GeneDx Variant Classification (06012015). Collection method: clinical testing. Allele origin: germline. Affected: yes.
Comment: The S417X pathogenic variant in the HNRNPK gene has not been reported previously as a pathogenic variant nor as a benign variant, to our knowledge. This variant is predicted to cause loss of normal protein function either through protein truncation or nonsense-mediated mRNA decay. The S417X variant was not observed in approximately 6500 individuals of European and African American ancestry in the NHLBI Exome Sequencing Project, indicating it is not a common benign variant in these populations. We interpret S417X as a pathogenic variant.

NM_031263.4(HNRNPK):c.1250C>A (p.Ser417Ter)

Gene: HNRNPK (heterogeneous nuclear ribonucleoprotein K; minus strand). Cytogenetic location: 9q21.32.
Variant type: single nucleotide variant.
Coding change: c.1250C>A on transcript NM_031263.4 (MANE Select); coding-DNA position 1250, C replaced by A.
Protein change: p.Ser417Ter; replaces serine 417 with a stop codon.
Molecular consequence: nonsense.
Genome position (GRCh38, 1-based): chr9:83,970,273, G>T on the plus strand (C>A on the coding strand, the complement: HNRNPK is on the minus strand). VCF-style: chr9-83970273-G-T. GRCh37 (hg19) VCF-style: chr9-86585188-G-T.
Other names: c.1178C>A, p.Ser393Ter (NM_001318186.2, NM_001318187.2); c.1250C>A, p.Ser417Ter (NM_001318188.2, NM_002140.5, NM_031262.4); short protein forms S417*, S393*.
Identifiers: ClinVar variation 280716 (VCV000280716.2), dbSNP rs767454980, ClinGen allele CA10603211.